The following is an entry in ClinVar:

NM_002900.3(RBP3):c.2884G>A (p.Ala962Thr)

Gene: RBP3 (retinol binding protein 3; plus strand). Cytogenetic location: 10q11.22.
Variant type: single nucleotide variant.
Coding change: c.2884G>A on transcript NM_002900.3 (MANE Select); coding-DNA position 2884, G replaced by A.
Protein change: p.Ala962Thr; replaces alanine 962 with threonine.
Molecular consequence: missense variant.
Genome position (GRCh38, 1-based): chr10:47,351,368, G>A. VCF-style: chr10-47351368-G-A. GRCh37 (hg19) VCF-style: chr10-48387994-C-T.
Other names: short protein forms A962T.
Identifiers: ClinVar variation 1362791 (VCV001362791.6), dbSNP rs1426209551, ClinGen allele CA376675457.
Genomic context (GRCh38, chr10:47,351,368, plus strand): 5'-CAGACGGCCGGGAAGCTGGTGGCTGATAACTATGCCTCTGCCGAGCTGGGGGCCAAGATG[G>A]CCACCAAACTGAGCGGTCTGCAGAGCCGCTACTCCAGGGTGACCTCAGAAGTGGCCCTAG-3'
Protein context (NP_002891.1, residues 952-972): YASAELGAKM[Ala962Thr]TKLSGLQSRY

ClinVar aggregate classification (germline): Uncertain significance. Review status: criteria provided, multiple submitters, no conflicts (2 of 4 stars). 2 submissions from 2 submitters: Uncertain significance (2). Last evaluated 2023-10-01.

Conditions:
Retinal dystrophy. Also called: Inherited retinal dystrophy. Identifiers: Orphanet 71862, MedGen C0854723, MeSH D058499, MONDO:0019118, HP:0000556.

Allele frequency attached by ClinVar (database versions not stated): gnomAD exomes 0.00001; TOPMed 0.00002.
gnomAD v4.1: 8 of 1,613,578 alleles (0.0005%); highest among the groups gnomAD compares: Non-Finnish European, 0.00068%; no homozygotes.

Submissions (2):

Dept Of Ophthalmology, Nagoya University
Classification: Uncertain significance for Retinal dystrophy. Last evaluated: 2023-10-01. Review status: criteria provided, single submitter. Criteria: Submitter's publication. Collection method: research. Allele origin: germline. Affected: yes.

Labcorp Genetics (formerly Invitae), Labcorp
Classification: Uncertain significance. Last evaluated: 2022-09-01. Review status: criteria provided, single submitter. Criteria: Invitae Variant Classification Sherloc (09022015). Collection method: clinical testing. Allele origin: germline.
Comment: This sequence change replaces alanine, which is neutral and non-polar, with threonine, which is neutral and polar, at codon 962 of the RBP3 protein (p.Ala962Thr). This variant is not present in population databases (gnomAD no frequency). This variant has not been reported in the literature in individuals affected with RBP3-related conditions. ClinVar contains an entry for this variant (Variation ID: 1362791). Algorithms developed to predict the effect of missense changes on protein structure and function (SIFT, PolyPhen-2, Align-GVGD) all suggest that this variant is likely to be disruptive. In summary, the available evidence is currently insufficient to determine the role of this variant in disease. Therefore, it has been classified as a Variant of Uncertain Significance.